The following is an entry in ClinVar:

NM_001290060.2(SEMA3B):c.1714C>T (p.Arg572Cys)

Gene: SEMA3B (semaphorin 3B; plus strand). Cytogenetic location: 3p21.31.
Variant type: single nucleotide variant.
Coding change: c.1714C>T on transcript NM_001290060.2 (MANE Select); coding-DNA position 1714, C replaced by T.
Protein change: p.Arg572Cys; replaces arginine 572 with cysteine.
Molecular consequence: missense variant. On other transcripts: non-coding transcript variant (1).
Genome position (GRCh38, 1-based): chr3:50,275,713, C>T. VCF-style: chr3-50275713-C-T. GRCh37 (hg19) VCF-style: chr3-50313144-C-T.
Other names: c.1711C>T, p.Arg571Cys (NM_001005914.3, NM_001435957.1, NM_001435958.1); c.1729C>T, p.Arg577Cys (NM_001290061.1); c.685C>T, p.Arg229Cys (NM_001290062.2, NM_001290063.2); c.1714C>T, p.Arg572Cys (NM_001435956.1, NM_004636.4); short protein forms R571C, R572C, R577C, R229C.
Identifiers: ClinVar variation 4982424 (VCV004982424.1).

ClinVar aggregate classification (germline): Uncertain significance (1 of 4 stars; one submission).

Conditions:
SEMA3B-related disorder. Also called: SEMA3B-related condition.

gnomAD v4.1: 2 of 1,612,328 alleles (0.00012%); highest among the groups gnomAD compares: South Asian, 0.0011%; no homozygotes.

Submission:

PreventionGenetics, part of Exact Sciences
Classification: Uncertain significance for SEMA3B-related condition. Last evaluated: 2026-07-05. Review status: criteria provided, single submitter. Criteria: ACMG Guidelines, 2015. Collection method: clinical testing. Allele origin: germline.
Comment: The SEMA3B c.685C>T variant is predicted to result in the amino acid substitution p.Arg229Cys. To our knowledge, this variant has not been reported in the literature. This variant is reported in 0.0033% of alleles in individuals of South Asian descent in gnomAD. At this time, the clinical significance of this variant is uncertain due to the absence of conclusive functional and genetic evidence.